The following is an entry in ClinVar:

NM_032119.4(ADGRV1):c.6556C>A (p.Pro2186Thr)

Gene: ADGRV1 (adhesion G protein-coupled receptor V1; plus strand). Cytogenetic location: 5q14.3.
Variant type: single nucleotide variant.
Coding change: c.6556C>A on transcript NM_032119.4 (MANE Select); coding-DNA position 6556, C replaced by A.
Protein change: p.Pro2186Thr; replaces proline 2186 with threonine.
Molecular consequence: missense variant. On other transcripts: non-coding transcript variant (1).
Genome position (GRCh38, 1-based): chr5:90,689,926, C>A. VCF-style: chr5-90689926-C-A. GRCh37 (hg19) VCF-style: chr5-89985743-C-A.
Other names: c.6556C>A (NM_032119.3); short protein forms P2186T.
Identifiers: ClinVar variation 1494966 (VCV001494966.8), dbSNP rs1357549892, ClinGen allele CA360366129.

ClinVar aggregate classification (germline): Uncertain significance. Review status: criteria provided, multiple submitters, no conflicts (2 of 4 stars). 2 submissions from 2 submitters: Uncertain significance (2). Last evaluated 2025-03-04.

Allele frequency attached by ClinVar (database versions not stated): TOPMed 0.00001.
gnomAD v4.1: 3 of 1,613,026 alleles (0.00019%); highest among the groups gnomAD compares: Non-Finnish European, 0.00025%; no homozygotes.

Submissions (2):

GeneDx
Classification: Uncertain significance. Last evaluated: 2025-03-04. Review status: criteria provided, single submitter. Criteria: GeneDx Variant Classification Process June 2021. Collection method: clinical testing. Allele origin: germline. Affected: yes.
Comment: Not observed at significant frequency in large population cohorts (gnomAD); In silico analysis supports that this missense variant has a deleterious effect on protein structure/function; Has not been previously published as pathogenic or benign to our knowledge

Labcorp Genetics (formerly Invitae), Labcorp
Classification: Uncertain significance. Last evaluated: 2024-02-02. Review status: criteria provided, single submitter. Criteria: Invitae Variant Classification Sherloc (09022015). Collection method: clinical testing. Allele origin: germline.
Comment: This sequence change replaces proline, which is neutral and non-polar, with threonine, which is neutral and polar, at codon 2186 of the ADGRV1 protein (p.Pro2186Thr). This variant is not present in population databases (gnomAD no frequency). This variant has not been reported in the literature in individuals affected with ADGRV1-related conditions. ClinVar contains an entry for this variant (Variation ID: 1494966). Advanced modeling of protein sequence and biophysical properties (such as structural, functional, and spatial information, amino acid conservation, physicochemical variation, residue mobility, and thermodynamic stability) performed at Invitae indicates that this missense variant is not expected to disrupt ADGRV1 protein function with a negative predictive value of 80%. In summary, the available evidence is currently insufficient to determine the role of this variant in disease. Therefore, it has been classified as a Variant of Uncertain Significance.